The following is an entry in ClinVar:

ClinVar aggregate classification (germline): Uncertain significance. Review status: criteria provided, multiple submitters, no conflicts (2 of 4 stars). 2 submissions from 2 submitters: Uncertain significance (2). Last evaluated 2025-05-18.

Conditions:
Hyperkalemic periodic paralysis. Also called: Familial hyperkalemic periodic paralysis; Gamstorp disease. Identifiers: Orphanet 682, MedGen C0238357, MONDO:0008224, OMIM 170500, HP:0007215.
Inborn genetic diseases. Identifiers: MedGen C0950123, MeSH D030342.

Submissions (2):

Ambry Genetics
Classification: Uncertain significance for Inborn genetic diseases. Last evaluated: 2025-05-18. Review status: criteria provided, single submitter. Criteria: Ambry Variant Classification Scheme 2023. Collection method: clinical testing. Allele origin: germline.

Labcorp Genetics (formerly Invitae), Labcorp
Classification: Uncertain significance for Hyperkalemic periodic paralysis. Last evaluated: 2024-11-27. Review status: criteria provided, single submitter. Criteria: Invitae Variant Classification Sherloc (09022015). Collection method: clinical testing. Allele origin: germline.
Comment: This sequence change replaces proline, which is neutral and non-polar, with serine, which is neutral and polar, at codon 1670 of the SCN4A protein (p.Pro1670Ser). This variant is present in population databases (no rsID available, gnomAD 0.007%). This variant has not been reported in the literature in individuals affected with SCN4A-related conditions. Invitae Evidence Modeling of protein sequence and biophysical properties (such as structural, functional, and spatial information, amino acid conservation, physicochemical variation, residue mobility, and thermodynamic stability) indicates that this missense variant is not expected to disrupt SCN4A protein function with a negative predictive value of 95%. In summary, the available evidence is currently insufficient to determine the role of this variant in disease. Therefore, it has been classified as a Variant of Uncertain Significance.

NM_000334.4(SCN4A):c.5008C>T (p.Pro1670Ser)

Genes: GH-LCR (growth hormone locus control region; plus strand), SCN4A (sodium voltage-gated channel alpha subunit 4; minus strand). Cytogenetic location: 17q23.3.
Variant type: single nucleotide variant.
Coding change: c.5008C>T on transcript NM_000334.4 (MANE Select); coding-DNA position 5008, C replaced by T.
Protein change: p.Pro1670Ser; replaces proline 1670 with serine.
Molecular consequence: missense variant.
Genome position (GRCh38, 1-based): chr17:63,941,274, G>A on the plus strand (C>T on the coding strand, the complement: SCN4A is on the minus strand). VCF-style: chr17-63941274-G-A. GRCh37 (hg19) VCF-style: chr17-62018634-G-A.
Other names: short protein forms P1670S.
Identifiers: ClinVar variation 3628375 (VCV003628375.3).